The following is an entry in ClinVar:

ClinVar aggregate classification (germline): Likely pathogenic (1 of 4 stars; one submission).

Conditions:
Cone-rod dystrophy. Also called: Cone-rod degeneration; Cone/cone-rod dystrophy. Identifiers: Orphanet 1872, MedGen C4085590, MONDO:0015993, HP:0000548.

gnomAD v4.1: 5 of 1,560,794 alleles (0.00032%); highest among the groups gnomAD compares: Admixed American, 0.0017%; no homozygotes.

Submission:

Ophthalmic Genetics Group, Institute of Molecular and Clinical Ophthalmology Basel
Classification: Likely pathogenic for Cone-rod dystrophy. Last evaluated: 2023-07-24. Review status: criteria provided, single submitter. Criteria: ACMG Guidelines, 2015. Collection method: research. Allele origin: germline. Affected: yes. Observed: 1 variant allele.
Comment: Clinical significance based on ACMG v2.0

This variant was classified as Likely pathogenic based on ACMG criteria: PVS1, PM2.

Literature cited by the submitters: PubMed 36909829.

NM_006017.3(PROM1):c.2267G>A (p.Trp756Ter)

Gene: PROM1 (prominin 1; minus strand). Cytogenetic location: 4p15.32.
Variant type: single nucleotide variant.
Coding change: c.2267G>A on transcript NM_006017.3 (MANE Select); coding-DNA position 2267, G replaced by A.
Protein change: p.Trp756Ter; replaces tryptophan 756 with a stop codon.
Molecular consequence: nonsense.
Genome position (GRCh38, 1-based): chr4:15,985,773, C>T on the plus strand (G>A on the coding strand, the complement: PROM1 is on the minus strand). VCF-style: chr4-15985773-C-T. GRCh37 (hg19) VCF-style: chr4-15987396-C-T.
Other names: NC_000004.11:g.15987396C>T; NP_006008.1:p.(Trp756Ter); c.2240G>A, p.Trp747Ter (NM_001145847.2, NM_001145848.2, NM_001145851.2 and 4 more transcripts); c.2267G>A, p.Trp756Ter (NM_001145849.2, NM_001145850.2); short protein forms W747*, W756*.
Identifiers: ClinVar variation 2577525 (VCV002577525.3), dbSNP rs1296826479, ClinGen allele CA356427866.